The following is an entry in ClinVar:

ClinVar aggregate classification (germline): Uncertain significance (1 of 4 stars; one submission).

Submission:

CeGaT Center for Human Genetics Tuebingen
Classification: Uncertain significance. Last evaluated: 2024-11-01. Review status: criteria provided, single submitter. Criteria: CeGaT Center For Human Genetics Tuebingen Variant Classification Criteria Version 2. Collection method: clinical testing. Allele origin: germline. Affected: yes. Observed: 1 variant allele.
Comment: SETD2: PM2

NM_014159.7(SETD2):c.5951A>G (p.Glu1984Gly)

Gene: SETD2 (SET domain containing 2, histone lysine methyltransferase; minus strand). Cytogenetic location: 3p21.31.
Variant type: single nucleotide variant.
Coding change: c.5951A>G on transcript NM_014159.7 (MANE Select); coding-DNA position 5951, A replaced by G.
Protein change: p.Glu1984Gly; replaces glutamic acid 1984 with glycine.
Molecular consequence: missense variant. On other transcripts: non-coding transcript variant (1).
Genome position (GRCh38, 1-based): chr3:47,083,829, T>C on the plus strand (A>G on the coding strand, the complement: SETD2 is on the minus strand). VCF-style: chr3-47083829-T-C. GRCh37 (hg19) VCF-style: chr3-47125319-T-C.
Other names: c.5819A>G, p.Glu1940Gly (NM_001349370.3); short protein forms E1940G, E1984G.
Identifiers: ClinVar variation 3390103 (VCV003390103.14).